The following is an entry in ClinVar:

ClinVar aggregate classification (germline): Uncertain significance (1 of 4 stars; one submission).

Submission:

CeGaT Center for Human Genetics Tuebingen
Classification: Uncertain significance. Last evaluated: 2026-03-01. Review status: criteria provided, single submitter. Criteria: CeGaT Center For Human Genetics Tuebingen Variant Classification Criteria Version 2. Collection method: clinical testing. Allele origin: germline. Affected: yes. Observed: 1 variant allele.
Comment: SHH: PM2, PP3

NM_000193.4(SHH):c.917C>A (p.Ala306Asp)

Gene: SHH (sonic hedgehog signaling molecule; minus strand). Cytogenetic location: 7q36.3.
Variant type: single nucleotide variant.
Coding change: c.917C>A on transcript NM_000193.4 (MANE Select); coding-DNA position 917, C replaced by A.
Protein change: p.Ala306Asp; replaces alanine 306 with aspartic acid.
Molecular consequence: missense variant. On other transcripts: intron variant (1).
Genome position (GRCh38, 1-based): chr7:155,803,372, G>T on the plus strand (C>A on the coding strand, the complement: SHH is on the minus strand). VCF-style: chr7-155803372-G-T. GRCh37 (hg19) VCF-style: chr7-155596066-G-T.
Other names: c.301+2924C>A (NM_001310462.2); short protein forms A306D.
Identifiers: ClinVar variation 4823430 (VCV004823430.4).